The following is an entry in ClinVar:

NM_015311.3(OBSL1):c.2682C>T (p.Asp894=)

Gene: OBSL1 (obscurin like cytoskeletal adaptor 1; minus strand). Cytogenetic location: 2q35.
Variant type: single nucleotide variant.
Coding change: c.2682C>T on transcript NM_015311.3 (MANE Select); coding-DNA position 2682, C replaced by T.
Protein change: p.Asp894=; no amino-acid change (aspartic acid 894 retained).
Molecular consequence: synonymous variant.
Genome position (GRCh38, 1-based): chr2:219,562,673, G>A on the plus strand (C>T on the coding strand, the complement: OBSL1 is on the minus strand). VCF-style: chr2-219562673-G-A. GRCh37 (hg19) VCF-style: chr2-220427395-G-A.
Other names: c.2682C>T, p.Asp894= (NM_001173408.2, NM_001173431.2).
Identifiers: ClinVar variation 334503 (VCV000334503.23), dbSNP rs3183099, ClinGen allele CA2131118.

ClinVar aggregate classification (germline): Benign. Review status: criteria provided, multiple submitters, no conflicts (2 of 4 stars). 9 submissions from 9 submitters: Benign (7). 2 of the submissions do not count toward it. Last evaluated 2026-05-08.

Conditions:
3M syndrome 2. Also called: 3-M Syndrome, OBSL1-Related; THREE M SYNDROME 2. Identifiers: Orphanet 2616, MedGen C2752041, MONDO:0013039, OMIM 612921.

Allele frequency attached by ClinVar (database versions not stated): 1000 Genomes Project 30x 0.16896; ESP Exome Variant Server 0.19209; ExAC 0.20281; gnomAD 0.20354 and 0.20573; TOPMed 0.20414; gnomAD exomes 0.21625 and 0.23945; 1000 Genomes Project 0.16414.
gnomAD v4.1: 363,193 of 1,542,958 alleles (24%); highest among the groups gnomAD compares: Admixed American, 26%; 44,711 homozygotes.

Submissions (9):

Women's Health and Genetics/Laboratory Corporation of America, LabCorp
Classification: Benign. Last evaluated: 2026-05-08. Review status: criteria provided, single submitter. Criteria: LabCorp Variant Classification Summary - May 2015. Collection method: clinical testing. Allele origin: germline.

Labcorp Genetics (formerly Invitae), Labcorp
Classification: Benign. Last evaluated: 2026-02-04. Review status: criteria provided, single submitter. Criteria: Invitae Variant Classification Sherloc (09022015). Collection method: clinical testing. Allele origin: germline.

Blueprint Genetics
Classification: Benign. Last evaluated: 2024-11-26. Review status: criteria provided, single submitter. Criteria: ACMG Guidelines, 2015. Collection method: clinical testing. Allele origin: germline.

Genome-Nilou Lab
Classification: Benign for 3M syndrome 2. Last evaluated: 2021-09-05. Review status: criteria provided, single submitter. Criteria: ACMG Guidelines, 2015. Collection method: clinical testing. Allele origin: germline. Affected: no.

GeneDx
Classification: Benign. Last evaluated: 2018-11-12. Review status: criteria provided, single submitter. Criteria: GeneDx Variant Classification Process June 2021. Collection method: clinical testing. Allele origin: germline. Affected: yes.

Illumina Laboratory Services, Illumina
Classification: Benign for 3M syndrome 2. Last evaluated: 2018-01-13. Review status: criteria provided, single submitter. Criteria: ICSL Variant Classification Criteria 13 December 2019. Collection method: clinical testing. Allele origin: germline.
Comment: This variant was observed in the ICSL laboratory as part of a predisposition screen in an ostensibly healthy population. It had not been previously curated by ICSL or reported in the Human Gene Mutation Database (HGMD: prior to June 1st, 2018), and was therefore a candidate for classification through an automated scoring system. Utilizing variant allele frequency, disease prevalence and penetrance estimates, and inheritance mode, an automated score was calculated to assess if this variant is too frequent to cause the disease. Based on the score and internal cut-off values, a variant classified as benign is not then subjected to further curation. The score for this variant resulted in a classification of benign for this disease.

Breakthrough Genomics
Classification: Benign. Review status: criteria provided, single submitter. Criteria: ACMG Guidelines, 2015. Collection method: not provided. Allele origin: germline. Inheritance: Autosomal recessive inheritance. Affected: yes.

Diagnostic Laboratory, Department of Genetics, University Medical Center Groningen
Classification: Benign. Review status: no assertion criteria provided. Collection method: clinical testing. Allele origin: germline. Affected: yes. Study: VKGL Data-share Consensus. Not counted in ClinVar's aggregate classification.

Joint Genome Diagnostic Labs from Nijmegen and Maastricht, Radboudumc and MUMC+
Classification: Benign. Review status: no assertion criteria provided. Collection method: clinical testing. Allele origin: germline. Affected: yes. Study: VKGL Data-share Consensus. Not counted in ClinVar's aggregate classification.